The following is an entry in ClinVar:

ClinVar aggregate classification (germline): Likely pathogenic (1 of 4 stars; one submission).

Conditions:
Niemann-Pick disease, type C1. Also called: NEUROVISCERAL STORAGE DISEASE WITH VERTICAL SUPRANUCLEAR OPHTHALMOPLEGIA; NIEMANN-PICK DISEASE WITH CHOLESTEROL ESTERIFICATION BLOCK; NIEMANN-PICK DISEASE WITHOUT SPHINGOMYELINASE DEFICIENCY; NIEMANN-PICK DISEASE, CHRONIC NEURONOPATHIC FORM; NIEMANN-PICK DISEASE, VARIANT TYPE C1. Identifiers: Orphanet 646, MedGen C3179455, MONDO:0009757, OMIM 257220.

Submission:

Myriad Genetics, Inc.
Classification: Likely pathogenic for Niemann-Pick disease, type C1. Last evaluated: 2022-03-30. Review status: criteria provided, single submitter. Criteria: Myriad Women's Health Autosomal Recessive and X-Linked Classification Criteria (2021). Collection method: clinical testing. Allele origin: unknown.
Comment: NM_000271.4(NPC1):c.3553G>T(E1185*) is expected to be pathogenic in the context of Niemann-Pick disease type C1. This variant is predicted to lead to an abnormal or absent protein product due to the creation of a premature termination codon in NPC1, a gene where loss-of-function variants are known to be pathogenic. Please note: this variant was assessed in the context of healthy population screening.

NM_000271.5(NPC1):c.3553G>T (p.Glu1185Ter)

Gene: NPC1 (NPC intracellular cholesterol transporter 1; minus strand). Cytogenetic location: 18q11.2.
Variant type: single nucleotide variant.
Coding change: c.3553G>T on transcript NM_000271.5 (MANE Select); coding-DNA position 3553, G replaced by T.
Protein change: p.Glu1185Ter; replaces glutamic acid 1185 with a stop codon.
Molecular consequence: nonsense.
Genome position (GRCh38, 1-based): chr18:23,534,484, C>A on the plus strand (G>T on the coding strand, the complement: NPC1 is on the minus strand). VCF-style: chr18-23534484-C-A. GRCh37 (hg19) VCF-style: chr18-21114448-C-A.
Other names: short protein forms E1185*.
Identifiers: ClinVar variation 1725543 (VCV001725543.2), dbSNP rs750739947, ClinGen allele CA401790936.